The following is an entry in ClinVar:

ClinVar aggregate classification (germline): Uncertain significance. Review status: criteria provided, multiple submitters, no conflicts (2 of 4 stars). 2 submissions from 2 submitters: Uncertain significance (2). Last evaluated 2025-01-07.

Conditions:
Inborn genetic diseases. Identifiers: MedGen C0950123, MeSH D030342.
Neuronal ceroid lipofuscinosis 7 (CLN7). Also called: MFSD8-Related Neuronal Ceroid-Lipofuscinosis. Identifiers: Orphanet 168491, Orphanet 228366, MedGen C1838571, MONDO:0012588, OMIM 610951.

Allele frequency attached by ClinVar (database versions not stated): gnomAD exomes below 0.00001 and 0.00001; TOPMed below 0.00001; ExAC 0.00002.

Submissions (2):

Ambry Genetics
Classification: Uncertain significance for Inborn genetic diseases. Last evaluated: 2025-01-07. Review status: criteria provided, single submitter. Criteria: Ambry Variant Classification Scheme 2023. Collection method: clinical testing. Allele origin: germline.

Labcorp Genetics (formerly Invitae), Labcorp
Classification: Uncertain significance for Neuronal ceroid lipofuscinosis 7. Last evaluated: 2021-09-01. Review status: criteria provided, single submitter. Criteria: Invitae Variant Classification Sherloc (09022015). Collection method: clinical testing. Allele origin: germline.
Comment: This sequence change replaces methionine with valine at codon 135 of the MFSD8 protein (p.Met135Val). The methionine residue is highly conserved and there is a small physicochemical difference between methionine and valine. This variant is present in population databases (rs768398882, ExAC 0.03%). This variant has not been reported in the literature in individuals affected with MFSD8-related conditions. Algorithms developed to predict the effect of missense changes on protein structure and function (SIFT, PolyPhen-2, Align-GVGD) all suggest that this variant is likely to be tolerated. In summary, the available evidence is currently insufficient to determine the role of this variant in disease. Therefore, it has been classified as a Variant of Uncertain Significance.

NM_001371596.2(MFSD8):c.403A>G (p.Met135Val)

Gene: MFSD8 (major facilitator superfamily domain containing 8; minus strand). Cytogenetic location: 4q28.2.
Variant type: single nucleotide variant.
Coding change: c.403A>G on transcript NM_001371596.2 (MANE Select); coding-DNA position 403, A replaced by G.
Protein change: p.Met135Val; replaces methionine 135 with valine.
Molecular consequence: missense variant.
Genome position (GRCh38, 1-based): chr4:127,943,788, T>C on the plus strand (A>G on the coding strand, the complement: MFSD8 is on the minus strand). VCF-style: chr4-127943788-T-C. GRCh37 (hg19) VCF-style: chr4-128864943-T-C.
Other names: c.403A>G, p.Met135Val (NM_001363520.3, NM_001363521.3, NM_001371591.2 and 5 more transcripts); c.268A>G, p.Met90Val (NM_001371590.2, NM_001371595.1, NM_001410765.1); short protein forms M135V, M90V.
Identifiers: ClinVar variation 855499 (VCV000855499.7), dbSNP rs768398882, ClinGen allele CA3077489.